The following is an entry in ClinVar:

NM_001845.6(COL4A1):c.3298G>A (p.Gly1100Arg)

Gene: COL4A1 (collagen type IV alpha 1 chain; minus strand). Cytogenetic location: 13q34.
Variant type: single nucleotide variant.
Coding change: c.3298G>A on transcript NM_001845.6 (MANE Select); coding-DNA position 3298, G replaced by A.
Protein change: p.Gly1100Arg; replaces glycine 1100 with arginine.
Molecular consequence: missense variant.
Genome position (GRCh38, 1-based): chr13:110,174,650, C>T on the plus strand (G>A on the coding strand, the complement: COL4A1 is on the minus strand). VCF-style: chr13-110174650-C-T. GRCh37 (hg19) VCF-style: chr13-110826997-C-T.
Other names: short protein forms G1100R.
Identifiers: ClinVar variation 3364913 (VCV003364913.1).

ClinVar aggregate classification (germline): Pathogenic (1 of 4 stars; one submission).

Submission:

GeneDx
Classification: Pathogenic. Last evaluated: 2023-11-26. Review status: criteria provided, single submitter. Criteria: GeneDx Variant Classification Process June 2021. Collection method: clinical testing. Allele origin: germline. Affected: yes.
Comment: Affects a glycine residue in a Gly-X-Y motif in the triple helical region of the COL4A1gene, where the majority of pathogenic missense variants occur, and is predicted to disrupt normal protein folding and function (HGMD) (PMID: 24077912, 22522439, 23225343); Not observed at significant frequency in large population cohorts (gnomAD); In silico analysis supports that this missense variant has a deleterious effect on protein structure/function; Has not been previously published as pathogenic or benign to our knowledge; This variant is associated with the following publications: (PMID: 24077912, 22522439, 23225343)